The following is an entry in ClinVar:

ClinVar aggregate classification (germline): Uncertain significance (1 of 4 stars; one submission).

Submission:

GeneDx
Classification: Uncertain significance. Last evaluated: 2024-02-23. Review status: criteria provided, single submitter. Criteria: GeneDx Variant Classification Process June 2021. Collection method: clinical testing. Allele origin: germline. Affected: yes.
Comment: Has not been previously published as pathogenic or benign to our knowledge; Not observed at significant frequency in large population cohorts (gnomAD); In silico analysis supports that this missense variant has a deleterious effect on protein structure/function

NM_006766.5(KAT6A):c.443G>C (p.Arg148Pro)

Gene: KAT6A (lysine acetyltransferase 6A; minus strand). Cytogenetic location: 8p11.21.
Variant type: single nucleotide variant.
Coding change: c.443G>C on transcript NM_006766.5 (MANE Select); coding-DNA position 443, G replaced by C.
Protein change: p.Arg148Pro; replaces arginine 148 with proline.
Molecular consequence: missense variant.
Genome position (GRCh38, 1-based): chr8:42,048,535, C>G on the plus strand (G>C on the coding strand, the complement: KAT6A is on the minus strand). VCF-style: chr8-42048535-C-G. GRCh37 (hg19) VCF-style: chr8-41906053-C-G.
Other names: c.443G>C, p.Arg148Pro (NM_001305878.2); short protein forms R148P.
Identifiers: ClinVar variation 3369430 (VCV003369430.1).